The following is an entry in ClinVar:

NM_001384140.1(PCDH15):c.1998-13G>A

Gene: PCDH15 (protocadherin related 15; minus strand). Cytogenetic location: 10q21.1.
Variant type: single nucleotide variant.
Coding change: c.1998-13G>A on transcript NM_001384140.1 (MANE Select); 13 bases into the intron before coding-DNA position 1998, G replaced by A.
Molecular consequence: intron variant.
Genome position (GRCh38, 1-based): chr10:54,079,437, C>T on the plus strand (G>A on the coding strand, the complement: PCDH15 is on the minus strand). VCF-style: chr10-54079437-C-T. GRCh37 (hg19) VCF-style: chr10-55839197-C-T.
Other names: c.1998-13G>A (NM_001354420.2, NM_001354429.2, NM_001142772.2 and 5 more transcripts); c.2013-13G>A (NM_001142771.2, NM_001142763.2); c.2019-13G>A (NM_001354411.2); c.2034-13G>A (NM_001142769.3); c.1932-13G>A (NM_001354404.2, NM_001142773.2, NM_001142768.2); c.1887-13G>A (NM_001142767.2); c.1785-13G>A (NM_001142765.2).
Identifiers: ClinVar variation 179087 (VCV000179087.5), dbSNP rs727504616, ClinGen allele CA183703.

ClinVar aggregate classification (germline): Likely benign (1 of 4 stars; one submission).

Submission:

Laboratory for Molecular Medicine, Mass General Brigham Personalized Medicine
Classification: Likely benign. Last evaluated: 2013-07-28. Review status: criteria provided, single submitter. Criteria: LMM Criteria. Collection method: clinical testing. Allele origin: germline. Observed: 1 variant allele.
Comment: 1998-13G>A in Intron 17 of PCDH15: This variant is not expected to have clinica l significance because it is not located in the invariant (-1/-2) splice site po sitions and computational tools do not suggest an impact to splicing.